The following is an entry in ClinVar:

ClinVar aggregate classification (germline): Conflicting classifications of pathogenicity. Review status: criteria provided, conflicting classifications (1 of 4 stars). 5 submissions from 5 submitters: Uncertain significance (4); Likely benign (1). Last evaluated 2025-05-16.

Allele frequency attached by ClinVar (database versions not stated): TOPMed 0.00003; ExAC 0.00004; gnomAD 0.00005; gnomAD exomes 0.00011.
gnomAD v4.1: 157 of 1,612,366 alleles (0.0097%); highest among the groups gnomAD compares: Middle Eastern, 0.019%; no homozygotes.

Submissions (5):

Labcorp Genetics (formerly Invitae), Labcorp
Classification: Uncertain significance. Last evaluated: 2025-05-16. Review status: criteria provided, single submitter. Criteria: Invitae Variant Classification Sherloc (09022015). Collection method: clinical testing. Allele origin: germline.
Comment: This sequence change replaces arginine, which is basic and polar, with tryptophan, which is neutral and slightly polar, at codon 51 of the CHCHD2 protein (p.Arg51Trp). This variant is present in population databases (rs757126911, gnomAD 0.007%). This variant has not been reported in the literature in individuals affected with CHCHD2-related conditions. ClinVar contains an entry for this variant (Variation ID: 2096376). Experimental studies and prediction algorithms are not available or were not evaluated, and the functional significance of this variant is currently unknown. In summary, the available evidence is currently insufficient to determine the role of this variant in disease. Therefore, it has been classified as a Variant of Uncertain Significance.

Ambry Genetics
Classification: Uncertain significance. Last evaluated: 2025-03-07. Review status: criteria provided, single submitter. Criteria: Ambry Variant Classification Scheme 2023. Collection method: clinical testing. Allele origin: germline.

Blueprint Genetics
Classification: Uncertain significance. Last evaluated: 2024-01-15. Review status: criteria provided, single submitter. Criteria: ACMG Guidelines, 2015. Collection method: clinical testing. Allele origin: germline.

CeGaT Center for Human Genetics Tuebingen
Classification: Likely benign. Last evaluated: 2023-08-01. Review status: criteria provided, single submitter. Criteria: CeGaT Center For Human Genetics Tuebingen Variant Classification Criteria Version 2. Collection method: clinical testing. Allele origin: germline. Affected: yes. Observed: 1 variant allele.
Comment: CHCHD2: BP4

Women's Health and Genetics/Laboratory Corporation of America, LabCorp
Classification: Uncertain significance. Last evaluated: 2023-05-01. Review status: criteria provided, single submitter. Criteria: LabCorp Variant Classification Summary - May 2015. Collection method: clinical testing. Allele origin: germline.
Comment: Variant summary: CHCHD2 c.151C>T (p.Arg51Trp) results in a non-conservative amino acid change in the encoded protein sequence. Three of five in-silico tools predict a damaging effect of the variant on protein function. The variant allele was found at a frequency of 3.7e-05 in 246474 control chromosomes (gnomAD). The available data on variant occurrences in the general population are insufficient to allow any conclusion about variant significance. To our knowledge, no occurrence of c.151C>T in individuals affected with Parkinson Disease 22, Autosomal Dominant and no experimental evidence demonstrating its impact on protein function have been reported. Two clinical diagnostic laboratories have submitted clinical-significance assessments for this variant to ClinVar after 2014 without evidence for independent evaluation. All laboratories classified the variant as uncertain significance. Based on the evidence outlined above, the variant was classified as uncertain significance.

NM_016139.4(CHCHD2):c.151C>T (p.Arg51Trp)

Gene: CHCHD2 (coiled-coil-helix-coiled-coil-helix domain containing 2; minus strand). Cytogenetic location: 7p11.2.
Variant type: single nucleotide variant.
Coding change: c.151C>T on transcript NM_016139.4 (MANE Select); coding-DNA position 151, C replaced by T.
Protein change: p.Arg51Trp; replaces arginine 51 with tryptophan.
Molecular consequence: missense variant.
Genome position (GRCh38, 1-based): chr7:56,104,375, G>A on the plus strand (C>T on the coding strand, the complement: CHCHD2 is on the minus strand). VCF-style: chr7-56104375-G-A. GRCh37 (hg19) VCF-style: chr7-56172068-G-A.
Other names: c.151C>T (NM_016139.3); c.151C>T, p.Arg51Trp (NM_001320327.2); short protein forms R51W.
Identifiers: ClinVar variation 2096376 (VCV002096376.33), dbSNP rs757126911, ClinGen allele CA4270569.